The following is an entry in ClinVar:

ClinVar aggregate classification (germline): Uncertain significance (1 of 4 stars; one submission).

Conditions:
Carnitine palmitoyltransferase II deficiency. Also called: Carnitine Palmitoyltransferase 2 Deficiency. Identifiers: Orphanet 157, MedGen C0342790, MONDO:0015515.

Submission:

Labcorp Genetics (formerly Invitae), Labcorp
Classification: Uncertain significance for Carnitine palmitoyltransferase II deficiency. Last evaluated: 2023-10-03. Review status: criteria provided, single submitter. Criteria: Invitae Variant Classification Sherloc (09022015). Collection method: clinical testing. Allele origin: germline.
Comment: This sequence change replaces alanine, which is neutral and non-polar, with valine, which is neutral and non-polar, at codon 136 of the CPT2 protein (p.Ala136Val). This variant is not present in population databases (gnomAD no frequency). This variant has not been reported in the literature in individuals affected with CPT2-related conditions. Advanced modeling of protein sequence and biophysical properties (such as structural, functional, and spatial information, amino acid conservation, physicochemical variation, residue mobility, and thermodynamic stability) performed at Invitae indicates that this missense variant is not expected to disrupt CPT2 protein function. In summary, the available evidence is currently insufficient to determine the role of this variant in disease. Therefore, it has been classified as a Variant of Uncertain Significance.

NM_000098.3(CPT2):c.407C>T (p.Ala136Val)

Gene: CPT2 (carnitine palmitoyltransferase 2; plus strand). Cytogenetic location: 1p32.3.
Variant type: single nucleotide variant.
Coding change: c.407C>T on transcript NM_000098.3 (MANE Select); coding-DNA position 407, C replaced by T.
Protein change: p.Ala136Val; replaces alanine 136 with valine.
Molecular consequence: missense variant.
Genome position (GRCh38, 1-based): chr1:53,210,081, C>T. VCF-style: chr1-53210081-C-T. GRCh37 (hg19) VCF-style: chr1-53675753-C-T.
Other names: c.407C>T, p.Ala136Val (NM_001330589.2); short protein forms A136V.
Identifiers: ClinVar variation 2714324 (VCV002714324.3), dbSNP rs2525586007, ClinGen allele CA340392018.